The following is an entry in ClinVar:

ClinVar aggregate classification (germline): Uncertain significance (1 of 4 stars; one submission).

gnomAD v4.1: 10 of 1,613,832 alleles (0.00062%); highest among the groups gnomAD compares: Non-Finnish European, 0.00085%; no homozygotes.

Submission:

Ambry Genetics
Classification: Uncertain significance. Last evaluated: 2023-04-19. Review status: criteria provided, single submitter. Criteria: Ambry Variant Classification Scheme 2023. Collection method: clinical testing. Allele origin: germline.
Comment: The c.1208A>G (p.H403R) alteration is located in exon 6 (coding exon 3) of the NOD1 gene. This alteration results from a A to G substitution at nucleotide position 1208, causing the histidine (H) at amino acid position 403 to be replaced by an arginine (R). This variant was not reported in population-based cohorts in the Genome Aggregation Database (gnomAD). This amino acid position is well conserved in available vertebrate species. This alteration is predicted to be tolerated by in silico analysis. Based on insufficient or conflicting evidence, the clinical significance of this alteration remains unclear.

NM_006092.4(NOD1):c.1208A>G (p.His403Arg)

Gene: NOD1 (nucleotide binding oligomerization domain containing 1; minus strand). Cytogenetic location: 7p14.3.
Variant type: single nucleotide variant.
Coding change: c.1208A>G on transcript NM_006092.4 (MANE Select); coding-DNA position 1208, A replaced by G.
Protein change: p.His403Arg; replaces histidine 403 with arginine.
Molecular consequence: missense variant. On other transcripts: non-coding transcript variant (1).
Genome position (GRCh38, 1-based): chr7:30,452,209, T>C on the plus strand (A>G on the coding strand, the complement: NOD1 is on the minus strand). VCF-style: chr7-30452209-T-C. GRCh37 (hg19) VCF-style: chr7-30491825-T-C.
Other names: c.1208A>G, p.His403Arg (NM_001354849.2); short protein forms H403R.
Identifiers: ClinVar variation 2538810 (VCV002538810.2), dbSNP rs1785812911, ClinGen allele CA367133351.